The following is an entry in ClinVar:

NM_147127.5(EVC2):c.2587G>A (p.Asp863Asn)

Gene: EVC2 (EvC ciliary complex subunit 2; minus strand). Cytogenetic location: 4p16.2.
Variant type: single nucleotide variant.
Coding change: c.2587G>A on transcript NM_147127.5 (MANE Select); coding-DNA position 2587, G replaced by A.
Protein change: p.Asp863Asn; replaces aspartic acid 863 with asparagine.
Molecular consequence: missense variant.
Genome position (GRCh38, 1-based): chr4:5,618,597, C>T on the plus strand (G>A on the coding strand, the complement: EVC2 is on the minus strand). VCF-style: chr4-5618597-C-T. GRCh37 (hg19) VCF-style: chr4-5620324-C-T.
Other names: c.2347G>A, p.Asp783Asn (NM_001166136.2); short protein forms D783N, D863N.
Identifiers: ClinVar variation 2950681 (VCV002950681.3), dbSNP rs2475360930, ClinGen allele CA356143479.
Genomic context (GRCh38, chr4:5,618,597, plus strand): 5'-CAGTCTGAAATTGCTGCAGCAGAACTCGGGCCCGGATCTTGGGGAGGGCCAAGCTCCTGT[C>T]CATCTGAGCAAAGCAGCCATGGACCTCCTGCCTCATCCTGAGCAGCTCCTCTTCAGACAG-3'
Protein context (NP_667338.3, residues 853-873): QEVHGCFAQM[Asp863Asn]RSLALPKIRA

ClinVar aggregate classification (germline): Uncertain significance (1 of 4 stars; one submission).

Conditions:
Curry-Hall syndrome (WAD). Also called: WEYERS ACRODENTAL DYSOSTOSIS. Identifiers: Orphanet 952, MedGen C0457013, MONDO:0008673, OMIM 193530.
Ellis-van Creveld syndrome (EVC). Also called: EVC-Related Ellis-van Creveld Syndrome; EVC2-Related Ellis-van Creveld Syndrome; MESOECTODERMAL DYSPLASIA; Chondroectodermal dysplasia. Identifiers: Orphanet 289, MedGen C0013903, MONDO:0009162, OMIM 225500.

Submission:

Labcorp Genetics (formerly Invitae), Labcorp
Classification: Uncertain significance for Curry-Hall syndrome; Ellis-van Creveld syndrome. Last evaluated: 2023-08-04. Review status: criteria provided, single submitter. Criteria: Invitae Variant Classification Sherloc (09022015). Collection method: clinical testing. Allele origin: germline.
Comment: This variant is not present in population databases (gnomAD no frequency). This sequence change replaces aspartic acid, which is acidic and polar, with asparagine, which is neutral and polar, at codon 863 of the EVC2 protein (p.Asp863Asn). This variant has not been reported in the literature in individuals affected with EVC2-related conditions. An algorithm developed to predict the effect of missense changes on protein structure and function (PolyPhen-2) suggests that this variant is likely to be disruptive. In summary, the available evidence is currently insufficient to determine the role of this variant in disease. Therefore, it has been classified as a Variant of Uncertain Significance.